The following is an entry in ClinVar:

ClinVar aggregate classification (germline): Uncertain significance (1 of 4 stars; one submission).

Allele frequency attached by ClinVar (database versions not stated): gnomAD exomes below 0.00001.
gnomAD v4.1: 2 of 1,613,246 alleles (0.00012%); highest among the groups gnomAD compares: Non-Finnish European, 0.00017%; no homozygotes.

Submission:

Biesecker Lab/Clinical Genomics Section, National Institutes of Health
Classification: Uncertain significance. Last evaluated: 2013-06-24. Review status: criteria provided, single submitter. Criteria: Ng et al. (Circ Cardiovasc Genet. 2013). Collection method: research. Allele origin: unknown. Observed: 1 variant allele. Study: ClinSeq.
Comment: The study set was not selected for affection status in relation to any cancer. Pathogenicity categories were based on literature curation. See Pubmed ID:23861362 for details.

Medical sequencing

NM_001267550.2(TTN):c.68065A>G (p.Asn22689Asp)

Genes: TTN (titin; minus strand), TTN-AS1 (TTN antisense RNA 1; plus strand), LOC126806423 (CDK7 strongly-dependent group 2 enhancer GRCh37_chr2:179443309-179444508; plus strand). Cytogenetic location: 2q31.2.
Variant type: single nucleotide variant.
Coding change: c.68065A>G on transcript NM_001267550.2 (MANE Select); coding-DNA position 68065, A replaced by G.
Protein change: p.Asn22689Asp; replaces asparagine 22689 with aspartic acid.
Molecular consequence: missense variant.
Genome position (GRCh38, 1-based): chr2:178,578,965, T>C on the plus strand (A>G on the coding strand, the complement: TTN is on the minus strand). VCF-style: chr2-178578965-T-C. GRCh37 (hg19) VCF-style: chr2-179443692-T-C.
Other names: c.63142A>G, p.Asn21048Asp (NM_001256850.1); c.40870A>G, p.Asn13624Asp (NM_003319.4); c.60361A>G, p.Asn20121Asp (NM_133378.4); c.41245A>G, p.Asn13749Asp (NM_133432.3); c.41446A>G, p.Asn13816Asp (NM_133437.4); short protein forms N20121D, N22689D, N13624D, N13749D, N13816D, N21048D.
Identifiers: ClinVar variation 191913 (VCV000191913.1), dbSNP rs786205382, ClinGen allele CA237852.